The following is an entry in ClinVar:

NM_001035.3(RYR2):c.1792A>G (p.Ile598Val)

Gene: RYR2 (ryanodine receptor 2; plus strand). Cytogenetic location: 1q43.
Variant type: single nucleotide variant.
Coding change: c.1792A>G on transcript NM_001035.3 (MANE Select); coding-DNA position 1792, A replaced by G.
Protein change: p.Ile598Val; replaces isoleucine 598 with valine.
Molecular consequence: missense variant.
Genome position (GRCh38, 1-based): chr1:237,491,889, A>G. VCF-style: chr1-237491889-A-G. GRCh37 (hg19) VCF-style: chr1-237655189-A-G.
Other names: short protein forms I598V.
Identifiers: ClinVar variation 2625010 (VCV002625010.6), dbSNP rs1404353801, ClinGen allele CA345388142.

ClinVar aggregate classification (germline): Uncertain significance. Review status: criteria provided, multiple submitters, no conflicts (2 of 4 stars). 3 submissions from 3 submitters: Uncertain significance (3). Last evaluated 2025-08-01.

Conditions:
Cardiovascular phenotype. Identifiers: MedGen CN230736.
Cardiomyopathy (CMYO). Also called: Cardiomyopathies. Identifiers: Orphanet 167848, MedGen C0878544, MONDO:0004994, HP:0001638. Inheritance: Various modes of inheritance.
Catecholaminergic polymorphic ventricular tachycardia 1. Also called: VENTRICULAR TACHYCARDIA, STRESS-INDUCED POLYMORPHIC 1; RYR2-Related Catecholaminergic Polymorphic Ventricular Tachycardia; VENTRICULAR TACHYCARDIA, CATECHOLAMINERGIC POLYMORPHIC, 1, WITH OR WITHOUT ATRIAL DYSFUNCTION AND/OR DILATED CARDIOMYOPATHY. Identifiers: Orphanet 3286, MedGen C1631597, MONDO:0011484, OMIM 604772.

Allele frequency attached by ClinVar (database versions not stated): gnomAD 0.00002.
gnomAD v4.1: 9 of 1,423,364 alleles (0.00063%); highest among the groups gnomAD compares: Admixed American, 0.012%; no homozygotes.

Submissions (3):

Labcorp Genetics (formerly Invitae), Labcorp
Classification: Uncertain significance for Catecholaminergic polymorphic ventricular tachycardia 1. Last evaluated: 2025-08-01. Review status: criteria provided, single submitter. Criteria: Invitae Variant Classification Sherloc (09022015). Collection method: clinical testing. Allele origin: germline.
Comment: This sequence change replaces isoleucine, which is neutral and non-polar, with valine, which is neutral and non-polar, at codon 598 of the RYR2 protein (p.Ile598Val). This variant is present in population databases (no rsID available, gnomAD 0.02%). This variant has not been reported in the literature in individuals affected with RYR2-related conditions. ClinVar contains an entry for this variant (Variation ID: 2625010). Invitae Evidence Modeling of protein sequence and biophysical properties (such as structural, functional, and spatial information, amino acid conservation, physicochemical variation, residue mobility, and thermodynamic stability) indicates that this missense variant is expected to disrupt RYR2 protein function with a positive predictive value of 95%. In summary, the available evidence is currently insufficient to determine the role of this variant in disease. Therefore, it has been classified as a Variant of Uncertain Significance.

Color Diagnostics, LLC DBA Color Health
Classification: Uncertain significance for Cardiomyopathy. Last evaluated: 2024-04-18. Review status: criteria provided, single submitter. Criteria: ACMG Guidelines, 2015. Collection method: clinical testing. Allele origin: germline.
Comment: This missense variant replaces isoleucine with valine at codon 598 of the RYR2 protein. Computational prediction suggests that this variant may have deleterious impact on protein structure and function. To our knowledge, functional studies have not been reported for this variant. This variant has not been reported in individuals affected with RYR2-related disorders in the literature. This variant has been identified in 3/164046 chromosomes in the general population by the Genome Aggregation Database (gnomAD). The available evidence is insufficient to determine the role of this variant in disease conclusively. Therefore, this variant is classified as a Variant of Uncertain Significance.

Ambry Genetics
Classification: Uncertain significance for Cardiovascular phenotype. Last evaluated: 2023-09-02. Review status: criteria provided, single submitter. Criteria: Ambry Variant Classification Scheme 2023. Collection method: clinical testing. Allele origin: germline.
Comment: The p.I598V variant (also known as c.1792A>G), located in coding exon 18 of the RYR2 gene, results from an A to G substitution at nucleotide position 1792. The isoleucine at codon 598 is replaced by valine, an amino acid with highly similar properties. This amino acid position is highly conserved in available vertebrate species. In addition, the in silico prediction for this alteration is inconclusive. Since supporting evidence is limited at this time, the clinical significance of this alteration remains unclear.